The following is an entry in ClinVar:

ClinVar aggregate classification (germline): Uncertain significance (1 of 4 stars; one submission).

Conditions:
Inborn genetic diseases. Identifiers: MedGen C0950123, MeSH D030342.

Submission:

Ambry Genetics
Classification: Uncertain significance for Inborn genetic diseases. Last evaluated: 2019-11-01. Review status: criteria provided, single submitter. Criteria: Ambry Variant Classification Scheme 2023. Collection method: clinical testing. Allele origin: germline.
Comment: The p.N143S variant (also known as c.428A>G), located in coding exon 4 of the DST gene, results from an A to G substitution at nucleotide position 428. The asparagine at codon 143 is replaced by serine, an amino acid with highly similar properties. In addition, the in silico prediction for this alteration is inconclusive. Since supporting evidence is limited at this time, the clinical significance of this alteration remains unclear.

NM_001374736.1(DST):c.428A>G (p.Asn143Ser)

Genes: DST (dystonin; minus strand), DST-AS1 (DST antisense RNA 1; plus strand). Cytogenetic location: 6p12.1.
Variant type: single nucleotide variant.
Coding change: c.428A>G on transcript NM_001374736.1 (MANE Select); coding-DNA position 428, A replaced by G.
Protein change: p.Asn143Ser; replaces asparagine 143 with serine.
Molecular consequence: missense variant.
Genome position (GRCh38, 1-based): chr6:56,851,594, T>C on the plus strand (A>G on the coding strand, the complement: DST is on the minus strand). VCF-style: chr6-56851594-T-C. GRCh37 (hg19) VCF-style: chr6-56716392-T-C.
Other names: c.428A>G, p.Asn143Ser (NM_001144769.5, NM_001374722.1); c.14A>G, p.Asn5Ser (NM_001144770.2); c.455A>G, p.Asn152Ser (NM_001374734.1); short protein forms N5S, N143S, N152S.
Identifiers: ClinVar variation 1739405 (VCV001739405.2), dbSNP rs2533534357, ClinGen allele CA364619138.